The following is an entry in ClinVar:

NM_014297.5(ETHE1):c.505+264T>G

Gene: ETHE1 (ETHE1 persulfide dioxygenase; minus strand). Cytogenetic location: 19q13.31.
Variant type: single nucleotide variant.
Coding change: c.505+264T>G on transcript NM_014297.5 (MANE Select); 264 bases into the intron after coding-DNA position 505, T replaced by G.
Molecular consequence: intron variant.
Genome position (GRCh38, 1-based): chr19:43,511,173, A>C on the plus strand (T>G on the coding strand, the complement: ETHE1 is on the minus strand). VCF-style: chr19-43511173-A-C. GRCh37 (hg19) VCF-style: chr19-44015325-A-C.
Other names: c.211+264T>G (NM_001320869.2); c.136+264T>G (NM_001320868.2); c.472+264T>G (NM_001320867.2).
Identifiers: ClinVar variation 671157 (VCV000671157.2), dbSNP rs117069120, ClinGen allele CA14745070.

ClinVar aggregate classification (germline): Benign. Review status: reviewed by expert panel (3 of 4 stars). 2 submissions from 2 submitters: Benign (1). 1 of the submissions does not count toward it. Last evaluated 2021-07-27.

Conditions:
Ethylmalonic encephalopathy (EE). Also called: Syndrome of encephalopathy, petechiae, and ethylmalonic aciduria; EPEMA syndrome; Encephalopathy, petechiae, and ethylmalonic aciduria. Identifiers: Orphanet 51188, MedGen C1865349, MONDO:0011229, OMIM 602473. Disease mechanism: loss of function.

Allele frequency attached by ClinVar (database versions not stated): gnomAD 0.07395 and 0.08112; TOPMed 0.08856; 1000 Genomes Project 30x 0.13460; 1000 Genomes Project 0.14018.
gnomAD v4.1: 12,325 of 152,176 alleles (8.1%); highest among the groups gnomAD compares: East Asian, 32%; 794 homozygotes.

Submissions (2):

ClinGen Mitochondrial Disease Nuclear and Mitochondrial  Variant Curation Expert Panel, ClinGen
Classification: Benign for Ethylmalonic encephalopathy. Last evaluated: 2021-07-27. Review status: reviewed by expert panel. Criteria: clingen mito disease acmg specifications v1-1. Collection method: curation. Allele origin: germline. Inheritance: Autosomal recessive inheritance.
Comment: The c.505+264T>G (NM_014297.5) variant in ETHE1 is an intronic variant which is located in intron 4 (intron 4/6). The highest population minor allele frequency for the c.505+264T>G variant in gnomAD v2.1.1 is 0.077 (2,431/31,374 alleles) in the general population, which is higher than the ClinGen ETHE1 threshold >0.001 for BA1, and therefore meets this criterion (BA1). This variant has been observed in at least 169 homozygous individuals (gnomAD v2.1.1) with no features of ethylmalonic aciduria, petechiae, chronic diarrhea, acrocyanosis, nor developmental delay. In summary, this variant meets the criteria to be classified as benign, and therefore not causative of Autosomal Recessive Ethylmalonic Encephalopathy. ACMG/AMP criteria applied, as specified by the ClinGen ETHE1 VCEP (version 1.0): BA1, BS2. Approved 7/6/2021.

GeneDx
Classification: Benign. Last evaluated: 2018-06-14. Review status: criteria provided, single submitter. Criteria: GeneDx Variant Classification (06012015). Collection method: clinical testing. Allele origin: germline. Affected: yes. Not counted in ClinVar's aggregate classification.
Comment: This variant is considered likely benign or benign based on one or more of the following criteria: it is a conservative change, it occurs at a poorly conserved position in the protein, it is predicted to be benign by multiple in silico algorithms, and/or has population frequency not consistent with disease.